The following is an entry in ClinVar:

ClinVar aggregate classification (germline): Uncertain significance (1 of 4 stars; one submission).

Conditions:
Cardiovascular phenotype. Identifiers: MedGen CN230736.

Submission:

Ambry Genetics
Classification: Uncertain significance for Cardiovascular phenotype. Last evaluated: 2025-06-28. Review status: criteria provided, single submitter. Criteria: Ambry Variant Classification Scheme 2023. Collection method: clinical testing. Allele origin: germline.
Comment: The p.S1418P variant (also known as c.4252T>C), located in coding exon 2 of the ZNF469 gene, results from a T to C substitution at nucleotide position 4252. The serine at codon 1418 is replaced by proline, an amino acid with similar properties. This amino acid position is conserved. In addition, this alteration is predicted to be tolerated by in silico analysis. Based on the available evidence, the clinical significance of this variant remains unclear.

NM_001127464.1:c.4252T>C

Gene: ZNF469 (zinc finger protein 469; plus strand).
Variant type: single nucleotide variant.
Identifiers: ClinVar variation 4209151 (VCV004209151.1).